The following is an entry in ClinVar:

NM_001035.3(RYR2):c.2951G>A (p.Ser984Asn)

Gene: RYR2 (ryanodine receptor 2; plus strand). Cytogenetic location: 1q43.
Variant type: single nucleotide variant.
Coding change: c.2951G>A on transcript NM_001035.3 (MANE Select); coding-DNA position 2951, G replaced by A.
Protein change: p.Ser984Asn; replaces serine 984 with asparagine.
Molecular consequence: missense variant.
Genome position (GRCh38, 1-based): chr1:237,548,475, G>A. VCF-style: chr1-237548475-G-A. GRCh37 (hg19) VCF-style: chr1-237711775-G-A.
Other names: c.2951G>A, p.Ser984Asn (LRG_402t1); short protein forms S984N.
Identifiers: ClinVar variation 180490 (VCV000180490.18), dbSNP rs730880188, ClinGen allele CA008987.

ClinVar aggregate classification (germline): Uncertain significance. Review status: criteria provided, multiple submitters, no conflicts (2 of 4 stars). 5 submissions from 5 submitters: Uncertain significance (5). Last evaluated 2024-12-04.

Conditions:
Cardiovascular phenotype. Identifiers: MedGen CN230736.
Catecholaminergic polymorphic ventricular tachycardia (CVPT). Also called: Catecholamine-induced polymorphic ventricular tachycardia. Identifiers: Orphanet 3286, MedGen C5574922, MONDO:0017990.
Cardiomyopathy (CMYO). Also called: Cardiomyopathies. Identifiers: Orphanet 167848, MedGen C0878544, MONDO:0004994, HP:0001638. Inheritance: Various modes of inheritance.
Catecholaminergic polymorphic ventricular tachycardia 1. Also called: VENTRICULAR TACHYCARDIA, CATECHOLAMINERGIC POLYMORPHIC, 1, WITH OR WITHOUT ATRIAL DYSFUNCTION AND/OR DILATED CARDIOMYOPATHY; RYR2-Related Catecholaminergic Polymorphic Ventricular Tachycardia; VENTRICULAR TACHYCARDIA, STRESS-INDUCED POLYMORPHIC 1. Identifiers: Orphanet 3286, MedGen C1631597, MONDO:0011484, OMIM 604772.

Allele frequency attached by ClinVar (database versions not stated): ExAC 0.00001; gnomAD exomes 0.00001; gnomAD 0.00003; TOPMed 0.00003.
gnomAD v4.1: 24 of 1,613,856 alleles (0.0015%); highest among the groups gnomAD compares: Non-Finnish European, 0.0019%; no homozygotes.

Submissions (5):

Ambry Genetics
Classification: Uncertain significance for Cardiovascular phenotype. Last evaluated: 2024-12-04. Review status: criteria provided, single submitter. Criteria: Ambry Variant Classification Scheme 2023. Collection method: clinical testing. Allele origin: germline.
Comment: The p.S984N variant (also known as c.2951G>A), located in coding exon 26 of the RYR2 gene, results from a G to A substitution at nucleotide position 2951. The serine at codon 984 is replaced by asparagine, an amino acid with highly similar properties. This amino acid position is well conserved in available vertebrate species. In addition, this alteration is predicted to be tolerated by in silico analysis. Since supporting evidence is limited at this time, the clinical significance of this alteration remains unclear.

Blueprint Genetics
Classification: Uncertain significance. Last evaluated: 2024-06-19. Review status: criteria provided, single submitter. Criteria: ACMG Guidelines, 2015. Collection method: clinical testing. Allele origin: germline.

All of Us Research Program, National Institutes of Health
Classification: Uncertain significance for Catecholaminergic polymorphic ventricular tachycardia. Last evaluated: 2024-03-24. Review status: criteria provided, single submitter. Criteria: ACMG Guidelines, 2015. Collection method: clinical testing. Allele origin: germline. Inheritance: Autosomal dominant inheritance. Observed: 3 variant alleles, 3 heterozygotes.
Comment: This missense variant replaces serine with asparagine at codon 984 of the RYR2 protein. Computational prediction is inconclusive regarding the impact of this variant on protein structure and function (internally defined REVEL score threshold 0.5 < inconclusive < 0.7, PMID: 27666373). To our knowledge, functional studies have not been reported for this variant. This variant has not been reported in individuals affected with cardiovascular disorders in the literature. This variant has been identified in 3/249144 chromosomes in the general population by the Genome Aggregation Database (gnomAD). The available evidence is insufficient to determine the role of this variant in disease conclusively. Therefore, this variant is classified as a Variant of Uncertain Significance.

This study involves interpretation of variants in research participants for the purpose of population health screening. Participant phenotype was not available at the time of variant classification. Additional details can be found in publication PMID: 35346344, PMCID: PMC8962531

Color Diagnostics, LLC DBA Color Health
Classification: Uncertain significance for Cardiomyopathy. Last evaluated: 2024-02-15. Review status: criteria provided, single submitter. Criteria: ACMG Guidelines, 2015. Collection method: clinical testing. Allele origin: germline.
Comment: This missense variant replaces serine with asparagine at codon 984 of the RYR2 protein. Computational prediction is inconclusive regarding the impact of this variant on protein structure and function. To our knowledge, functional studies have not been reported for this variant. This variant has not been reported in individuals affected with RYR2-related disorders in the literature. This variant has been identified in 3/249144 chromosomes in the general population by the Genome Aggregation Database (gnomAD). The available evidence is insufficient to determine the role of this variant in disease conclusively. Therefore, this variant is classified as a Variant of Uncertain Significance.

Labcorp Genetics (formerly Invitae), Labcorp
Classification: Uncertain significance for Catecholaminergic polymorphic ventricular tachycardia 1. Last evaluated: 2024-02-14. Review status: criteria provided, single submitter. Criteria: Invitae Variant Classification Sherloc (09022015). Collection method: clinical testing. Allele origin: germline.
Comment: This sequence change replaces serine, which is neutral and polar, with asparagine, which is neutral and polar, at codon 984 of the RYR2 protein (p.Ser984Asn). This variant is present in population databases (rs730880188, gnomAD 0.003%). This variant has not been reported in the literature in individuals affected with RYR2-related conditions. ClinVar contains an entry for this variant (Variation ID: 180490). Advanced modeling of protein sequence and biophysical properties (such as structural, functional, and spatial information, amino acid conservation, physicochemical variation, residue mobility, and thermodynamic stability) performed at Invitae indicates that this missense variant is not expected to disrupt RYR2 protein function with a negative predictive value of 95%. In summary, the available evidence is currently insufficient to determine the role of this variant in disease. Therefore, it has been classified as a Variant of Uncertain Significance.